The following is an entry in ClinVar:

NC_000017.10:g.(?_29548419)_(29557002_?)del

Gene: NF1 (neurofibromin 1; plus strand). Cytogenetic location: 17q11.2.
Variant type: Deletion.
Identifiers: ClinVar variation 1076037 (VCV001076037.3).

ClinVar aggregate classification (germline): Pathogenic (1 of 4 stars; one submission).

Conditions:
Neurofibromatosis, type 1 (NF1). Also called: VON RECKLINGHAUSEN DISEASE; Peripheral type neurofibromatosis; NEUROFIBROMATOSIS, TYPE I, SOMATIC; Neurofibromatosis, type I. Identifiers: Orphanet 636, MedGen C0027831, MONDO:0018975, OMIM 162200. Disease mechanism: loss of function.

Submission:

Labcorp Genetics (formerly Invitae), Labcorp
Classification: Pathogenic for Neurofibromatosis, type 1. Last evaluated: 2020-05-08. Review status: criteria provided, single submitter. Criteria: Invitae Variant Classification Sherloc (09022015). Collection method: clinical testing. Allele origin: germline.
Comment: For these reasons, this variant has been classified as Pathogenic. Loss-of-function variants in NF1 are known to be pathogenic (PMID: 10712197, 23913538). This variant has not been reported in the literature in individuals with NF1-related conditions. This variant is an out-of-frame deletion of the genomic region encompassing exons 15-22 of the NF1 gene. This is expected to create a premature translational stop signal and result in an absent or disrupted protein product.

Literature cited by the submitters: PubMed 10712197; PubMed 23913538.